The following is an entry in ClinVar:

ClinVar aggregate classification (germline): Uncertain significance (1 of 4 stars; one submission).

gnomAD v4.1: 4 of 1,614,162 alleles (0.00025%); highest among the groups gnomAD compares: Non-Finnish European, 0.00034%; no homozygotes.

Submission:

Labcorp Genetics (formerly Invitae), Labcorp
Classification: Uncertain significance. Last evaluated: 2022-03-07. Review status: criteria provided, single submitter. Criteria: Invitae Variant Classification Sherloc (09022015). Collection method: clinical testing. Allele origin: germline.
Comment: In summary, the available evidence is currently insufficient to determine the role of this variant in disease. Therefore, it has been classified as a Variant of Uncertain Significance. Algorithms developed to predict the effect of missense changes on protein structure and function output the following: SIFT: "Tolerated"; PolyPhen-2: "Benign"; Align-GVGD: "Class C0". The glycine amino acid residue is found in multiple mammalian species, which suggests that this missense change does not adversely affect protein function. This variant has not been reported in the literature in individuals affected with A2ML1-related conditions. This variant is present in population databases (rs778105594, gnomAD 0.0009%). This sequence change replaces alanine, which is neutral and non-polar, with glycine, which is neutral and non-polar, at codon 438 of the A2ML1 protein (p.Ala438Gly).

NM_144670.6(A2ML1):c.1313C>G (p.Ala438Gly)

Gene: A2ML1 (alpha-2-macroglobulin like 1; plus strand). Cytogenetic location: 12p13.31.
Variant type: single nucleotide variant.
Coding change: c.1313C>G on transcript NM_144670.6 (MANE Select); coding-DNA position 1313, C replaced by G.
Protein change: p.Ala438Gly; replaces alanine 438 with glycine.
Molecular consequence: missense variant.
Genome position (GRCh38, 1-based): chr12:8,843,198, C>G. VCF-style: chr12-8843198-C-G. GRCh37 (hg19) VCF-style: chr12-8995794-C-G.
Other names: short protein forms A438G.
Identifiers: ClinVar variation 1413790 (VCV001413790.8), dbSNP rs778105594, ClinGen allele CA6435620.